The following is an entry in ClinVar:

ClinVar aggregate classification (germline): Conflicting classifications of pathogenicity. Review status: criteria provided, conflicting classifications (1 of 4 stars). 6 submissions from 6 submitters: Likely pathogenic (1); Uncertain significance (4). 1 of the submissions does not count toward it. Last evaluated 2025-10-13.

Conditions:
Inborn genetic diseases. Identifiers: MedGen C0950123, MeSH D030342.
Hereditary motor neuron disease. Also called: Genetic motor neuron disease. Identifiers: Orphanet 98505, MedGen C0270763, MONDO:0024257.
Charcot-Marie-Tooth disease, dominant intermediate G. Identifiers: MedGen C4693509, MONDO:0036484, OMIM 617882.
Charcot-Marie-Tooth disease type 1F. Also called: Charcot-Marie-Tooth disease, demyelinating, type 1f; CHARCOT-MARIE-TOOTH NEUROPATHY, TYPE 1F. Identifiers: Orphanet 101085, MedGen C1843164, MONDO:0011902, OMIM 607734.
Charcot-Marie-Tooth disease type 2E (CMT2E). Also called: CHARCOT-MARIE-TOOTH NEUROPATHY, TYPE 2E; CHARCOT-MARIE-TOOTH DISEASE, AXONAL, TYPE 2E. Identifiers: Orphanet 99939, MedGen C1843225, MONDO:0011894, OMIM 607684.

Submissions (6):

Labcorp Genetics (formerly Invitae), Labcorp
Classification: Likely pathogenic for Charcot-Marie-Tooth disease type 2E. Last evaluated: 2025-10-13. Review status: criteria provided, single submitter. Criteria: Invitae Variant Classification Sherloc (09022015). Collection method: clinical testing. Allele origin: germline.
Comment: This sequence change replaces tyrosine, which is neutral and polar, with aspartic acid, which is acidic and polar, at codon 265 of the NEFL protein (p.Tyr265Asp). This variant is not present in population databases (gnomAD no frequency). This missense change has been observed in individuals with clinical features of autosomal dominant Charcot-Marie-Tooth disease (internal data). ClinVar contains an entry for this variant (Variation ID: 447763). Invitae Evidence Modeling of protein sequence and biophysical properties (such as structural, functional, and spatial information, amino acid conservation, physicochemical variation, residue mobility, and thermodynamic stability) indicates that this missense variant is expected to disrupt NEFL protein function with a positive predictive value of 80%. This variant disrupts the p.Tyr265 amino acid residue in NEFL. Other variant(s) that disrupt this residue have been determined to be pathogenic (internal data). This suggests that this residue is clinically significant, and that variants that disrupt this residue are likely to be disease-causing. In summary, the currently available evidence indicates that the variant is pathogenic, but additional data are needed to prove that conclusively. Therefore, this variant has been classified as Likely Pathogenic.

GeneDx
Classification: Uncertain significance. Last evaluated: 2022-10-24. Review status: criteria provided, single submitter. Criteria: GeneDx Variant Classification Process June 2021. Collection method: clinical testing. Allele origin: germline. Affected: yes.
Comment: Not observed at significant frequency in large population cohorts (gnomAD); In silico analysis supports that this missense variant has a deleterious effect on protein structure/function; Has not been previously published as pathogenic or benign to our knowledge

Fulgent Genetics
Classification: Uncertain significance for Charcot-Marie-Tooth disease type 2E; Charcot-Marie-Tooth disease type 1F; Charcot-Marie-Tooth disease, dominant intermediate G. Last evaluated: 2022-03-08. Review status: criteria provided, single submitter. Criteria: ACMG Guidelines, 2015. Collection method: clinical testing. Allele origin: unknown.

Ambry Genetics
Classification: Uncertain significance for Inborn genetic diseases. Last evaluated: 2020-08-04. Review status: criteria provided, single submitter. Criteria: Ambry Variant Classification Scheme 2023. Collection method: clinical testing. Allele origin: germline.
Comment: The p.Y265D variant (also known as c.793T>G), located in coding exon 1 of the NEFL gene, results from a T to G substitution at nucleotide position 793. The tyrosine at codon 265 is replaced by aspartic acid, an amino acid with highly dissimilar properties. This amino acid position is highly conserved in available vertebrate species. In addition, this alteration is predicted to be deleterious by in silico analysis. Since supporting evidence is limited at this time, the clinical significance of this alteration remains unclear.

Athena Diagnostics
Classification: Uncertain significance. Last evaluated: 2017-07-18. Review status: criteria provided, single submitter. Criteria: Athena Diagnostics Criteria. Collection method: clinical testing. Allele origin: germline.

Inherited Neuropathy Consortium
Classification: Uncertain significance for Hereditary motor neuron disease. Review status: no assertion criteria provided. Collection method: provider interpretation. Allele origin: inherited. Affected: yes. Not counted in ClinVar's aggregate classification.

NM_006158.5(NEFL):c.793T>G (p.Tyr265Asp)

Gene: NEFL (neurofilament light chain; minus strand). Cytogenetic location: 8p21.2.
Variant type: single nucleotide variant.
Coding change: c.793T>G on transcript NM_006158.5 (MANE Select); coding-DNA position 793, T replaced by G.
Protein change: p.Tyr265Asp; replaces tyrosine 265 with aspartic acid.
Molecular consequence: missense variant.
Genome position (GRCh38, 1-based): chr8:24,955,723, A>C on the plus strand (T>G on the coding strand, the complement: NEFL is on the minus strand). VCF-style: chr8-24955723-A-C. GRCh37 (hg19) VCF-style: chr8-24813237-A-C.
Other names: short protein forms Y265D.
Identifiers: ClinVar variation 447763 (VCV000447763.16), dbSNP rs1554497573, ClinGen allele CA370621618.